The following is an entry in ClinVar:

NM_177986.5(DSG4):c.2796T>G (p.Asn932Lys)

Genes: DSG1-AS1 (DSG1 antisense RNA 1; minus strand), DSG4 (desmoglein 4; plus strand). Cytogenetic location: 18q12.1.
Variant type: single nucleotide variant.
Coding change: c.2796T>G on transcript NM_177986.5 (MANE Select); coding-DNA position 2796, T replaced by G.
Protein change: p.Asn932Lys; replaces asparagine 932 with lysine.
Molecular consequence: missense variant.
Genome position (GRCh38, 1-based): chr18:31,413,268, T>G. VCF-style: chr18-31413268-T-G. GRCh37 (hg19) VCF-style: chr18-28993231-T-G.
Other names: c.2853T>G, p.Asn951Lys (NM_001134453.3); short protein forms N932K, N951K.
Identifiers: ClinVar variation 326454 (VCV000326454.12), dbSNP rs373510855, ClinGen allele CA8927412.

ClinVar aggregate classification (germline): Benign. Review status: criteria provided, multiple submitters, no conflicts (2 of 4 stars). 3 submissions from 3 submitters: Benign (3). Last evaluated 2026-01-08.

Conditions:
Hypotrichosis 6 (HYPT6). Also called: HYPOTRICHOSIS, LOCALIZED, AUTOSOMAL RECESSIVE 1; MONILETHRIX-LIKE HYPOTRICHOSIS. Identifiers: Orphanet 55654, MedGen C1842839, MONDO:0011932, OMIM 607903.

Allele frequency attached by ClinVar (database versions not stated): gnomAD 0.00007 and 0.00247; TOPMed 0.00044; gnomAD exomes 0.00472 and 0.00971; ExAC 0.01094; 1000 Genomes Project 30x 0.01655; 1000 Genomes Project 0.01677.
gnomAD v4.1: 7,308 of 1,614,168 alleles (0.45%); highest among the groups gnomAD compares: South Asian, 7.6%; 313 homozygotes.

Submissions (3):

Labcorp Genetics (formerly Invitae), Labcorp
Classification: Benign. Last evaluated: 2026-01-08. Review status: criteria provided, single submitter. Criteria: Invitae Variant Classification Sherloc (09022015). Collection method: clinical testing. Allele origin: germline.

GeneDx
Classification: Benign. Last evaluated: 2021-06-10. Review status: criteria provided, single submitter. Criteria: GeneDx Variant Classification Process June 2021. Collection method: clinical testing. Allele origin: germline. Affected: yes.

Illumina Laboratory Services, Illumina
Classification: Benign for Hypotrichosis 6. Last evaluated: 2018-01-13. Review status: criteria provided, single submitter. Criteria: ICSL Variant Classification Criteria 13 December 2019. Collection method: clinical testing. Allele origin: germline.
Comment: This variant was observed in the ICSL laboratory as part of a predisposition screen in an ostensibly healthy population. It had not been previously curated by ICSL or reported in the Human Gene Mutation Database (HGMD: prior to June 1st, 2018), and was therefore a candidate for classification through an automated scoring system. Utilizing variant allele frequency, disease prevalence and penetrance estimates, and inheritance mode, an automated score was calculated to assess if this variant is too frequent to cause the disease. Based on the score and internal cut-off values, a variant classified as benign is not then subjected to further curation. The score for this variant resulted in a classification of benign for this disease.